The following is an entry in ClinVar:

ClinVar aggregate classification (germline): Likely benign. Review status: criteria provided, multiple submitters, no conflicts (2 of 4 stars). 2 submissions from 2 submitters: Likely benign (2). Last evaluated 2026-03-01.

Conditions:
Pityriasis rubra pilaris (PRP). Also called: Pityriasis rubra pilaris--familial type. Identifiers: Orphanet 2897, MedGen C0032027, MONDO:0100017, OMIM 173200, MONDO:0008251.
Psoriasis 2. Identifiers: MedGen C1864497, MONDO:0011269, OMIM 602723.

Allele frequency attached by ClinVar (database versions not stated): gnomAD 0.00003; TOPMed 0.00004; 1000 Genomes Project 30x 0.00016; 1000 Genomes Project 0.00020.
gnomAD v4.1: 105 of 1,613,190 alleles (0.0065%); highest among the groups gnomAD compares: East Asian, 0.053%; no homozygotes.

Submissions (2):

CeGaT Center for Human Genetics Tuebingen
Classification: Likely benign. Last evaluated: 2026-03-01. Review status: criteria provided, single submitter. Criteria: CeGaT Center For Human Genetics Tuebingen Variant Classification Criteria Version 2. Collection method: clinical testing. Allele origin: germline. Affected: yes. Observed: 1 variant allele.
Comment: CARD14: BP4, BP7

Labcorp Genetics (formerly Invitae), Labcorp
Classification: Likely benign for Pityriasis rubra pilaris; Psoriasis 2. Last evaluated: 2025-12-24. Review status: criteria provided, single submitter. Criteria: Invitae Variant Classification Sherloc (09022015). Collection method: clinical testing. Allele origin: germline.

NM_001366385.1(CARD14):c.1773G>A (p.Thr591=)

Gene: CARD14 (caspase recruitment domain family member 14; plus strand). Cytogenetic location: 17q25.3.
Variant type: single nucleotide variant.
Coding change: c.1773G>A on transcript NM_001366385.1 (MANE Select); coding-DNA position 1773, G replaced by A.
Protein change: p.Thr591=; no amino-acid change (threonine 591 retained).
Molecular consequence: synonymous variant. On other transcripts: non-coding transcript variant (1).
Genome position (GRCh38, 1-based): chr17:80,198,513, G>A. VCF-style: chr17-80198513-G-A. GRCh37 (hg19) VCF-style: chr17-78172312-G-A.
Other names: c.1773G>A, p.Thr591= (NM_001257970.1, NM_024110.4); c.1062G>A, p.Thr354= (NM_052819.3).
Identifiers: ClinVar variation 644010 (VCV000644010.13), dbSNP rs140661251, ClinGen allele CA8816985.